The following is an entry in ClinVar:

NM_014249.4(NR2E3):c.383C>A (p.Ala128Asp)

Gene: NR2E3 (nuclear receptor subfamily 2 group E member 3; plus strand). Cytogenetic location: 15q23.
Variant type: single nucleotide variant.
Coding change: c.383C>A on transcript NM_014249.4 (MANE Select); coding-DNA position 383, C replaced by A.
Protein change: p.Ala128Asp; replaces alanine 128 with aspartic acid.
Molecular consequence: missense variant.
Genome position (GRCh38, 1-based): chr15:71,811,988, C>A. VCF-style: chr15-71811988-C-A. GRCh37 (hg19) VCF-style: chr15-72104328-C-A.
Other names: c.383C>A, p.Ala128Asp (NM_016346.4); short protein forms A128D.
Identifiers: ClinVar variation 5003506 (VCV005003506.1).

ClinVar aggregate classification (germline): Uncertain significance (1 of 4 stars; one submission).

Conditions:
ENHANCED S-CONE SYNDROME 1 (ESCS1). Also called: RETINOSCHISIS WITH EARLY HEMERALOPIA; FAVRE HYALOIDEORETINAL DEGENERATION. Identifiers: MedGen CN380299, OMIM 268100.

Submission:

Myriad Genetics, Inc.
Classification: Uncertain significance for ENHANCED S-CONE SYNDROME 1. Last evaluated: 2026-03-05. Review status: criteria provided, single submitter. Criteria: Myriad Autosomal Dominant, Autosomal Recessive and X-Linked Classification Criteria (2023). Collection method: clinical testing. Allele origin: unknown.
Comment: NM_014249.2(NR2E3):c.383C>A(A128D) is a missense variant classified as a variant of uncertain significance in the context of enhanced S-cone syndrome. A128D has not been observed in cases with relevant disease. Relevant functional assessments of this variant are not available in the literature. A128D has not been observed in referenced population frequency databases. In summary, there is insufficient evidence to classify NM_014249.2(NR2E3):c.383C>A(A128D) as pathogenic or benign. Please note: this variant was assessed in the context of healthy population screening.